The following is an entry in ClinVar:

ClinVar aggregate classification (germline): Uncertain significance. Review status: criteria provided, multiple submitters, no conflicts (2 of 4 stars). 2 submissions from 2 submitters: Uncertain significance (2). Last evaluated 2025-09-16.

Conditions:
LEFTY2-related disorder. Also called: LEFTY2-related condition.
Left-right axis malformations. Identifiers: MedGen C1866091.

Allele frequency attached by ClinVar (database versions not stated): ESP Exome Variant Server 0.00008; 1000 Genomes Project 30x 0.00016; 1000 Genomes Project 0.00020; ExAC 0.00006; gnomAD 0.00007.
gnomAD v4.1: 221 of 1,613,408 alleles (0.014%); highest among the groups gnomAD compares: Non-Finnish European, 0.018%; no homozygotes.

Submissions (2):

Labcorp Genetics (formerly Invitae), Labcorp
Classification: Uncertain significance for Left-right axis malformations. Last evaluated: 2025-09-16. Review status: criteria provided, single submitter. Criteria: Invitae Variant Classification Sherloc (09022015). Collection method: clinical testing. Allele origin: germline.
Comment: This sequence change replaces arginine, which is basic and polar, with glycine, which is neutral and non-polar, at codon 83 of the LEFTY2 protein (p.Arg83Gly). This variant is present in population databases (rs373002929, gnomAD 0.01%). This variant has not been reported in the literature in individuals affected with LEFTY2-related conditions. ClinVar contains an entry for this variant (Variation ID: 2636149). Invitae Evidence Modeling of protein sequence and biophysical properties (such as structural, functional, and spatial information, amino acid conservation, physicochemical variation, residue mobility, and thermodynamic stability) has been performed for this missense variant. However, the output from this modeling did not meet the statistical confidence thresholds required to predict the impact of this variant on LEFTY2 protein function. In summary, the available evidence is currently insufficient to determine the role of this variant in disease. Therefore, it has been classified as a Variant of Uncertain Significance.

PreventionGenetics, part of Exact Sciences
Classification: Uncertain significance for LEFTY2-related condition. Last evaluated: 2025-05-07. Review status: criteria provided, single submitter. Criteria: ACMG Guidelines, 2015. Collection method: clinical testing. Allele origin: germline.
Comment: The LEFTY2 c.247C>G variant is predicted to result in the amino acid substitution p.Arg83Gly. To our knowledge, this variant has not been reported in the literature. This variant is reported in 0.010% of alleles in individuals of European (non-Finnish) descent in gnomAD. Although we suspect that this variant may be benign, at this time, the clinical significance of this variant is uncertain due to the absence of conclusive functional and genetic evidence.

NM_003240.5(LEFTY2):c.247C>G (p.Arg83Gly)

Gene: LEFTY2 (left-right determination factor 2; minus strand). Cytogenetic location: 1q42.12.
Variant type: single nucleotide variant.
Coding change: c.247C>G on transcript NM_003240.5 (MANE Select); coding-DNA position 247, C replaced by G.
Protein change: p.Arg83Gly; replaces arginine 83 with glycine.
Molecular consequence: missense variant.
Genome position (GRCh38, 1-based): chr1:225,940,894, G>C on the plus strand (C>G on the coding strand, the complement: LEFTY2 is on the minus strand). VCF-style: chr1-225940894-G-C. GRCh37 (hg19) VCF-style: chr1-226128594-G-C.
Other names: c.247C>G, p.Arg83Gly (NM_001172425.3); short protein forms R83G.
Identifiers: ClinVar variation 2636149 (VCV002636149.3), dbSNP rs373002929, ClinGen allele CA1420657.